The following is an entry in ClinVar:

ClinVar aggregate classification (germline): Uncertain significance (1 of 4 stars; one submission).

gnomAD v4.1: 1 of 1,614,210 alleles (0.000062%); highest among the groups gnomAD compares: East Asian, 0.0022%; no homozygotes.

Submission:

Women's Health and Genetics/Laboratory Corporation of America, LabCorp
Classification: Uncertain significance. Last evaluated: 2026-02-19. Review status: criteria provided, single submitter. Criteria: LabCorp Variant Classification Summary - May 2015. Collection method: clinical testing. Allele origin: germline.
Comment: Variant summary: EVC2 c.325G>A (p.Val109Ile) results in a conservative amino acid change in the encoded protein sequence. Algorithms developed to predict the effect of missense changes on protein structure and function all suggest that this variant is likely to be tolerated. The variant allele was found at a frequency of 4e-06 in 251488 control chromosomes. The available data on variant occurrences in the general population are insufficient to allow any conclusion about variant significance. To our knowledge, no occurrence of c.325G>A in individuals affected with EVC2-related conditions and no experimental evidence demonstrating its impact on protein function have been reported. No submitters have cited clinical-significance assessments for this variant to ClinVar. Based on the evidence outlined above, the variant was classified as uncertain significance.

NM_147127.5(EVC2):c.325G>A (p.Val109Ile)

Gene: EVC2 (EvC ciliary complex subunit 2; minus strand). Cytogenetic location: 4p16.2.
Variant type: single nucleotide variant.
Coding change: c.325G>A on transcript NM_147127.5 (MANE Select); coding-DNA position 325, G replaced by A.
Protein change: p.Val109Ile; replaces valine 109 with isoleucine.
Molecular consequence: missense variant.
Genome position (GRCh38, 1-based): chr4:5,694,460, C>T on the plus strand (G>A on the coding strand, the complement: EVC2 is on the minus strand). VCF-style: chr4-5694460-C-T. GRCh37 (hg19) VCF-style: chr4-5696187-C-T.
Other names: c.85G>A, p.Val29Ile (NM_001166136.2); short protein forms V109I, V29I.
Identifiers: ClinVar variation 4848223 (VCV004848223.1).
Genomic context (GRCh38, chr4:5,694,460, plus strand): 5'-CAAATAAGGAATGAGCCCATGGCCCACTAGAGGCTGCAGAAGTTGAGAGTGGGATGAAGA[C>T]TTCCATTTTCTTGTCCAATTTCATTCCAAGTGGTGCTTCCACTGCAAAACAACAACACAC-3'
Protein context (NP_667338.3, residues 99-119): LGMKLDKKME[Val109Ile]FIPLSTSAAS